The following is an entry in ClinVar:

NM_020297.4(ABCC9):c.2199-1G>A

Gene: ABCC9 (ATP binding cassette subfamily C member 9; minus strand). Cytogenetic location: 12p12.1.
Variant type: single nucleotide variant.
Coding change: c.2199-1G>A on transcript NM_020297.4 (MANE Select); the canonical splice acceptor site of the intron before coding-DNA position 2199, G replaced by A.
Molecular consequence: splice acceptor variant.
Genome position (GRCh38, 1-based): chr12:21,864,478, C>T on the plus strand (G>A on the coding strand, the complement: ABCC9 is on the minus strand). VCF-style: chr12-21864478-C-T. GRCh37 (hg19) VCF-style: chr12-22017412-C-T.
Other names: c.1335-1G>A (NM_001377274.1); c.2199-1G>A (NM_005691.4, NM_001377273.1).
Identifiers: ClinVar variation 1418960 (VCV001418960.6), dbSNP rs2137529749, ClinGen allele CA384130573.

ClinVar aggregate classification (germline): Likely pathogenic (1 of 4 stars; one submission).

Conditions:
Dilated cardiomyopathy 1O (CMD1O). Also called: CARDIOMYOPATHY, DILATED, WITH VENTRICULAR TACHYCARDIA. Identifiers: Orphanet 154, MedGen C1837839, MONDO:0012062, OMIM 608569.

Submission:

Labcorp Genetics (formerly Invitae), Labcorp
Classification: Likely pathogenic for Dilated cardiomyopathy 1O. Last evaluated: 2024-10-01. Review status: criteria provided, single submitter. Criteria: Invitae Variant Classification Sherloc (09022015). Collection method: clinical testing. Allele origin: germline.
Comment: This sequence change affects an acceptor splice site in intron 16 of the ABCC9 gene. It is expected to disrupt RNA splicing. Variants that disrupt the donor or acceptor splice site typically lead to a loss of protein function (PMID: 16199547), and loss-of-function variants in ABCC9 are known to be pathogenic (PMID: 31575858, 38217872). This variant is not present in population databases (gnomAD no frequency). This variant has not been reported in the literature in individuals affected with ABCC9-related conditions. ClinVar contains an entry for this variant (Variation ID: 1418960). Algorithms developed to predict the effect of sequence changes on RNA splicing suggest that this variant may disrupt the consensus splice site. In summary, the currently available evidence indicates that the variant is pathogenic, but additional data are needed to prove that conclusively. Therefore, this variant has been classified as Likely Pathogenic.

Literature cited by the submitters: PubMed 16199547; PubMed 31575858; PubMed 38217872.